The following is an entry in ClinVar:

ClinVar aggregate classification (germline): Uncertain significance. Review status: criteria provided, multiple submitters, no conflicts (2 of 4 stars). 2 submissions from 2 submitters: Uncertain significance (2). Last evaluated 2025-12-10.

Conditions:
Melanoma, cutaneous malignant, susceptibility to, 5. Also called: Cutaneous malignant melanoma 5. Identifiers: Orphanet 618, MedGen C2751295, MONDO:0013133, OMIM 613099.

Allele frequency attached by ClinVar (database versions not stated): ExAC 0.00005; TOPMed 0.00006; gnomAD 0.00007.
gnomAD v4.1: 161 of 1,613,162 alleles (0.01%); highest among the groups gnomAD compares: Non-Finnish European, 0.013%; no homozygotes.

Submissions (2):

Labcorp Genetics (formerly Invitae), Labcorp
Classification: Uncertain significance for Melanoma, cutaneous malignant, susceptibility to, 5. Last evaluated: 2025-12-10. Review status: criteria provided, single submitter. Criteria: Invitae Variant Classification Sherloc (09022015). Collection method: clinical testing. Allele origin: germline.
Comment: This sequence change replaces threonine, which is neutral and polar, with isoleucine, which is neutral and non-polar, at codon 242 of the MC1R protein (p.Thr242Ile). This variant is present in population databases (rs200051702, gnomAD 0.01%). This missense change has been observed in individual(s) with clinical features of MC1R-related conditions (internal data). ClinVar contains an entry for this variant (Variation ID: 470710). Invitae Evidence Modeling of protein sequence and biophysical properties (such as structural, functional, and spatial information, amino acid conservation, physicochemical variation, residue mobility, and thermodynamic stability) has been performed for this missense variant. However, the output from this modeling did not meet the statistical confidence thresholds required to predict the impact of this variant on MC1R protein function. In summary, the available evidence is currently insufficient to determine the role of this variant in disease. Therefore, it has been classified as a Variant of Uncertain Significance.

Illumina Laboratory Services, Illumina
Classification: Uncertain significance for Melanoma, cutaneous malignant, susceptibility to, 5. Last evaluated: 2017-04-27. Review status: criteria provided, single submitter. Criteria: ICSL Variant Classification Criteria 13 December 2019. Collection method: clinical testing. Allele origin: germline.
Comment: This variant was observed as part of a predisposition screen in an ostensibly healthy population. A literature search was performed for the gene, cDNA change, and amino acid change (where applicable). Publications were found based on this search. However, the evidence from the literature, in combination with allele frequency data from public databases where available, was not sufficient to rule this variant in or out of causing disease. Therefore, this variant is classified as a variant of unknown significance.

Literature cited by the submitters: PubMed 25794181 (cited by Illumina Laboratory Services, Illumina).

NM_002386.4(MC1R):c.725C>T (p.Thr242Ile)

Gene: MC1R (melanocortin 1 receptor; plus strand). Cytogenetic location: 16q24.3.
Variant type: single nucleotide variant.
Coding change: c.725C>T on transcript NM_002386.4 (MANE Select); coding-DNA position 725, C replaced by T.
Protein change: p.Thr242Ile; replaces threonine 242 with isoleucine.
Molecular consequence: missense variant.
Genome position (GRCh38, 1-based): chr16:89,919,983, C>T. VCF-style: chr16-89919983-C-T. GRCh37 (hg19) VCF-style: chr16-89986391-C-T.
Other names: short protein forms T242I.
Identifiers: ClinVar variation 470710 (VCV000470710.12), dbSNP rs200051702, ClinGen allele CA8255723.